The following is an entry in ClinVar:

NM_024642.5(GALNT12):c.1214A>T (p.Glu405Val)

Gene: GALNT12 (polypeptide N-acetylgalactosaminyltransferase 12; plus strand). Cytogenetic location: 9q22.33.
Variant type: single nucleotide variant.
Coding change: c.1214A>T on transcript NM_024642.5 (MANE Select); coding-DNA position 1214, A replaced by T.
Protein change: p.Glu405Val; replaces glutamic acid 405 with valine.
Molecular consequence: missense variant.
Genome position (GRCh38, 1-based): chr9:98,840,003, A>T. VCF-style: chr9-98840003-A-T. GRCh37 (hg19) VCF-style: chr9-101602285-A-T.
Other names: short protein forms E405V.
Identifiers: ClinVar variation 4670606 (VCV004670606.1).

ClinVar aggregate classification (germline): Uncertain significance (1 of 4 stars; one submission).

Submission:

Ambry Genetics
Classification: Uncertain significance. Last evaluated: 2025-10-23. Review status: criteria provided, single submitter. Criteria: Ambry Variant Classification Scheme 2023. Collection method: clinical testing. Allele origin: germline.
Comment: The p.E405V variant (also known as c.1214A>T), located in coding exon 7 of the GALNT12 gene, results from an A to T substitution at nucleotide position 1214. The glutamic acid at codon 405 is replaced by valine, an amino acid with dissimilar properties. This amino acid position is conserved. In addition, this alteration is predicted to be deleterious by in silico analysis. Based on the available evidence, the clinical significance of this variant remains unclear.